The following is an entry in ClinVar:

NM_001365536.1(SCN9A):c.3793A>G (p.Ile1265Val)

Genes: SCN9A (sodium voltage-gated channel alpha subunit 9; minus strand), SCN1A-AS1 (SCN1A and SCN9A antisense RNA 1; plus strand). Cytogenetic location: 2q24.3.
Variant type: single nucleotide variant.
Coding change: c.3793A>G on transcript NM_001365536.1 (MANE Select); coding-DNA position 3793, A replaced by G.
Protein change: p.Ile1265Val; replaces isoleucine 1265 with valine.
Molecular consequence: missense variant.
Genome position (GRCh38, 1-based): chr2:166,238,102, T>C on the plus strand (A>G on the coding strand, the complement: SCN9A is on the minus strand). VCF-style: chr2-166238102-T-C. GRCh37 (hg19) VCF-style: chr2-167094612-T-C.
Other names: c.3760A>G, p.Ile1254Val (NM_002977.4); short protein forms I1254V, I1265V.
Identifiers: ClinVar variation 1719008 (VCV001719008.7), dbSNP rs1415373231, ClinGen allele CA349068393.
Genomic context (GRCh38, chr2:166,238,102, plus strand): 5'-CAACACACAGTAAGAATAAATCCTCTTTTAAAATGTACTCAAAAGTACCTACATCAACAA[T>C]TAGGAAATCCAGCCAACACCAGGCATTGGTGAAATATGTTTTATAACCATATGCTATCCA-3'
Protein context (NP_001352465.1, residues 1255-1275): TNAWCWLDFL[Ile1265Val]VDVSLVTLVA

ClinVar aggregate classification (germline): Uncertain significance. Review status: criteria provided, multiple submitters, no conflicts (2 of 4 stars). 2 submissions from 2 submitters: Uncertain significance (2). Last evaluated 2026-06-17.

Conditions:
Neuropathy, hereditary sensory and autonomic, type 2A (HSAN2A). Also called: ACROOSTEOLYSIS, GIACCAI TYPE; ACROOSTEOLYSIS, NEUROGENIC; MORVAN DISEASE; NEUROPATHY, CONGENITAL SENSORY; NEUROPATHY, HEREDITARY SENSORY RADICULAR, AUTOSOMAL RECESSIVE; NEUROPATHY, HEREDITARY SENSORY, TYPE IIA. Identifiers: Orphanet 970, MedGen C2752089, MONDO:0024309, OMIM 201300.
Generalized epilepsy with febrile seizures plus, type 7 (GEFSP7). Also called: GEFS+, TYPE 7. Identifiers: Orphanet 36387, MedGen C2751778, MONDO:0013470, OMIM 613863.
Inborn genetic diseases. Identifiers: MedGen C0950123, MeSH D030342.

Allele frequency attached by ClinVar (database versions not stated): gnomAD exomes below 0.00001.
gnomAD v4.1: 1 of 1,609,852 alleles (0.000062%); highest among the groups gnomAD compares: Admixed American, 0.0017%; no homozygotes.

Submissions (2):

Ambry Genetics
Classification: Uncertain significance for Inborn genetic diseases. Last evaluated: 2026-06-17. Review status: criteria provided, single submitter. Criteria: Ambry Variant Classification Scheme 2023. Collection method: clinical testing. Allele origin: germline.

Labcorp Genetics (formerly Invitae), Labcorp
Classification: Uncertain significance for Neuropathy, hereditary sensory and autonomic, type 2A; Generalized epilepsy with febrile seizures plus, type 7. Last evaluated: 2025-11-17. Review status: criteria provided, single submitter. Criteria: Invitae Variant Classification Sherloc (09022015). Collection method: clinical testing. Allele origin: germline.
Comment: This sequence change replaces isoleucine, which is neutral and non-polar, with valine, which is neutral and non-polar, at codon 1254 of the SCN9A protein (p.Ile1254Val). The frequency data for this variant in the population databases is considered unreliable, as metrics indicate poor data quality at this position in the gnomAD database. This variant has not been reported in the literature in individuals affected with SCN9A-related conditions. ClinVar contains an entry for this variant (Variation ID: 1719008). Invitae Evidence Modeling of protein sequence and biophysical properties (such as structural, functional, and spatial information, amino acid conservation, physicochemical variation, residue mobility, and thermodynamic stability) indicates that this missense variant is not expected to disrupt SCN9A protein function with a negative predictive value of 95%. In summary, the available evidence is currently insufficient to determine the role of this variant in disease. Therefore, it has been classified as a Variant of Uncertain Significance.